The following is an entry in ClinVar:

NM_012330.4(KAT6B):c.3289GAA[7] (p.Glu1104del)

Gene: KAT6B (lysine acetyltransferase 6B; plus strand). Cytogenetic location: 10q22.2.
Variant type: Microsatellite.
Coding change: c.3289GAA[7] on transcript NM_012330.4 (MANE Select); seven copies in a row of the 3-base unit GAA starting at c.3289; the reference has eight copies in a row; one copy, 3 bases deleted; also written c.3310_3312del.
Protein change: p.Glu1104del; deletes glutamic acid 1104.
Molecular consequence: inframe deletion.
Genome position (GRCh38, 1-based): chr10:75,022,169-75,022,171, GAA deleted; deleting any 3 consecutive bases within chr10:75,022,148-75,022,171 gives the same sequence; the position shown is the placement nearest the transcript's 3' end. VCF-style (leftmost placement, unchanged base first): chr10-75022147-GGAA-G. GRCh37 (hg19) VCF-style: chr10-76781905-GGAA-G.
Other names: c.2740GAA[7], p.Glu921del (NM_001256468.2, NM_001370138.1); c.2413GAA[7], p.Glu812del (NM_001256469.2, NM_001370139.1, NM_001370140.1 and 2 more transcripts); c.2251GAA[7], p.Glu758del (NM_001370132.1); c.1600GAA[7], p.Glu541del (NM_001370133.1); c.1204GAA[7], p.Glu409del (NM_001370134.1); c.946GAA[7], p.Glu323del (NM_001370135.1); c.3289GAA[7], p.Glu1104del (NM_001370136.1, NM_001370137.1); c.2224GAA[7], p.Glu749del (NM_001370143.1, NM_001370144.1); and 2 more; short protein forms E1104del, E409del, E758del, E812del, E541del, E749del, E921del, E323del.
Identifiers: ClinVar variation 211214 (VCV000211214.73), dbSNP rs71929101, ClinGen allele CA205350.

ClinVar aggregate classification (germline): Benign/Likely benign. Review status: criteria provided, multiple submitters, no conflicts (2 of 4 stars). 10 submissions from 9 submitters: Benign (6); Likely benign (1). 3 of the submissions do not count toward it. Last evaluated 2026-02-04.

Conditions:
Genitopatellar syndrome (GTPTS). Also called: Genitopatellar syndrome (GPS); ABSENT PATELLAE, SCROTAL HYPOPLASIA, RENAL ANOMALIES, FACIAL DYSMORPHISM, AND MENTAL RETARDATION. Identifiers: Orphanet 85201, MedGen C1853566, MONDO:0011640, OMIM 606170.

Submissions (10):

Labcorp Genetics (formerly Invitae), Labcorp
Classification: Benign for Genitopatellar syndrome. Last evaluated: 2026-02-04. Review status: criteria provided, single submitter. Criteria: Invitae Variant Classification Sherloc (09022015). Collection method: clinical testing. Allele origin: germline.

Blueprint Genetics
Classification: Benign. Last evaluated: 2024-11-27. Review status: criteria provided, single submitter. Criteria: ACMG Guidelines, 2015. Collection method: clinical testing. Allele origin: germline.

ARUP Laboratories, Molecular Genetics and Genomics, ARUP Laboratories
Classification: Benign. Last evaluated: 2023-11-29. Review status: criteria provided, single submitter. Criteria: ARUP Molecular Germline Variant Investigation Process 2024. Collection method: clinical testing. Allele origin: germline.

Laboratory for Molecular Medicine, Mass General Brigham Personalized Medicine
Classification: Benign. Last evaluated: 2019-08-14. Review status: criteria provided, single submitter. Criteria: LMM Criteria. Collection method: clinical testing. Allele origin: germline. Observed: 4 variant alleles.
Comment: p.Glu1104del in exon 16 of KAT6B: This variant is is not expected to have clinical significance because it has been identified in 24% (65722/269038) of total chromosomes by the Genome Aggregation Database (gnomAD; dbSNP rs12240773). ACMG/AMP Criteria applied: BA1

GeneDx
Classification: Benign. Last evaluated: 2018-06-08. Review status: criteria provided, single submitter. Criteria: GeneDx Variant Classification Process June 2021. Collection method: clinical testing. Allele origin: germline. Affected: yes.

Genetic Services Laboratory, University of Chicago
Classification: Likely benign. Last evaluated: 2015-07-27. Review status: criteria provided, single submitter. Criteria: ACMG Guidelines, 2015. Collection method: clinical testing. Allele origin: germline.

PreventionGenetics, part of Exact Sciences
Classification: Benign. Review status: criteria provided, single submitter. Criteria: ACMG Guidelines, 2015. Collection method: clinical testing. Allele origin: germline.

Clinical Genetics DNA and cytogenetics Diagnostics Lab, Erasmus MC, Erasmus Medical Center
Classification: Benign. Review status: no assertion criteria provided. Collection method: clinical testing. Allele origin: germline. Affected: yes. Study: VKGL Data-share Consensus. Not counted in ClinVar's aggregate classification.

Diagnostic Laboratory, Department of Genetics, University Medical Center Groningen
Classification: Benign. Review status: no assertion criteria provided. Collection method: clinical testing. Allele origin: germline. Affected: yes. Study: VKGL Data-share Consensus. Not counted in ClinVar's aggregate classification.

GeneDx
Classification: Benign. Last evaluated: 2016-09-28. Review status: flagged submission. Criteria: GeneDx Variant Classification Process June 2021. Collection method: clinical testing. Allele origin: germline. Affected: yes. Not counted in ClinVar's aggregate classification.
ClinVar note: Reason: This record appears to be redundant with a more recent record from the same submitter.
ClinVar note: Notes: SCV001862819 appears to be redundant with SCV000730959.